The following is an entry in ClinVar:

NM_006231.4(POLE):c.86T>A (p.Val29Asp)

Gene: POLE (DNA polymerase epsilon, catalytic subunit; minus strand). Cytogenetic location: 12q24.33.
Variant type: single nucleotide variant.
Coding change: c.86T>A on transcript NM_006231.4 (MANE Select); coding-DNA position 86, T replaced by A.
Protein change: p.Val29Asp; replaces valine 29 with aspartic acid.
Molecular consequence: missense variant.
Genome position (GRCh38, 1-based): chr12:132,681,256, A>T on the plus strand (T>A on the coding strand, the complement: POLE is on the minus strand). VCF-style: chr12-132681256-A-T. GRCh37 (hg19) VCF-style: chr12-133257842-A-T.
Other names: short protein forms V29D.
Identifiers: ClinVar variation 1802943 (VCV001802943.8), dbSNP rs2136034786, ClinGen allele CA387370581.
Genomic context (GRCh38, chr12:132,681,256, plus strand): 5'-CCAAACCGCAAATCCATCTTATCCGTCCACTGACTCCGTTCCAGGCGCTTGAGTGCCGAA[A>T]CTGAGGAAGTGGCGCCATCATCCCTGAGTGAAAGAAGGGAACCCCGTGCTTAATTTGTAA-3'
Protein context (NP_006222.2, residues 19-39): ASRDDGATSS[Val29Asp]SALKRLERSQ

ClinVar aggregate classification (germline): Uncertain significance. Review status: criteria provided, multiple submitters, no conflicts (2 of 4 stars). 2 submissions from 2 submitters: Uncertain significance (2). Last evaluated 2025-11-11.

Allele frequency attached by ClinVar (database versions not stated): gnomAD exomes below 0.00001.
gnomAD v4.1: 1 of 1,614,210 alleles (0.000062%); highest among the groups gnomAD compares: Non-Finnish European, 0.000085%; no homozygotes.

Submissions (2):

Labcorp Genetics (formerly Invitae), Labcorp
Classification: Uncertain significance. Last evaluated: 2025-11-11. Review status: criteria provided, single submitter. Criteria: Invitae Variant Classification Sherloc (09022015). Collection method: clinical testing. Allele origin: germline.
Comment: This sequence change replaces valine, which is neutral and non-polar, with aspartic acid, which is acidic and polar, at codon 29 of the POLE protein (p.Val29Asp). This variant is not present in population databases (gnomAD no frequency). This variant has not been reported in the literature in individuals affected with POLE-related conditions. ClinVar contains an entry for this variant (Variation ID: 1802943). Invitae Evidence Modeling of protein sequence and biophysical properties (such as structural, functional, and spatial information, amino acid conservation, physicochemical variation, residue mobility, and thermodynamic stability) indicates that this missense variant is not expected to disrupt POLE protein function with a negative predictive value of 80%. In summary, the available evidence is currently insufficient to determine the role of this variant in disease. Therefore, it has been classified as a Variant of Uncertain Significance.

Center for Genomic Medicine, Rigshospitalet, Copenhagen University Hospital
Classification: Uncertain significance. Last evaluated: 2025-03-04. Review status: criteria provided, single submitter. Criteria: ACMG Guidelines, 2015. Collection method: clinical testing. Allele origin: germline.